The following is an entry in ClinVar:

ClinVar aggregate classification (germline): Uncertain significance (1 of 4 stars; one submission).

Conditions:
Holoprosencephaly 5 (HPE5). Identifiers: Orphanet 2162, MedGen C1864827, MONDO:0012322, OMIM 609637.

Submission:

Labcorp Genetics (formerly Invitae), Labcorp
Classification: Uncertain significance for Holoprosencephaly 5. Last evaluated: 2024-05-09. Review status: criteria provided, single submitter. Criteria: Invitae Variant Classification Sherloc (09022015). Collection method: clinical testing. Allele origin: germline.
Comment: This sequence change replaces proline, which is neutral and non-polar, with serine, which is neutral and polar, at codon 64 of the ZIC2 protein (p.Pro64Ser). This variant is not present in population databases (gnomAD no frequency). This variant has not been reported in the literature in individuals affected with ZIC2-related conditions. An algorithm developed to predict the effect of missense changes on protein structure and function (PolyPhen-2) suggests that this variant is likely to be tolerated. In summary, the available evidence is currently insufficient to determine the role of this variant in disease. Therefore, it has been classified as a Variant of Uncertain Significance.

NM_007129.5(ZIC2):c.190C>T (p.Pro64Ser)

Gene: ZIC2 (Zic family zinc finger 2; plus strand). Cytogenetic location: 13q32.3.
Variant type: single nucleotide variant.
Coding change: c.190C>T on transcript NM_007129.5 (MANE Select); coding-DNA position 190, C replaced by T.
Protein change: p.Pro64Ser; replaces proline 64 with serine.
Molecular consequence: missense variant.
Genome position (GRCh38, 1-based): chr13:99,982,254, C>T. VCF-style: chr13-99982254-C-T. GRCh37 (hg19) VCF-style: chr13-100634508-C-T.
Other names: short protein forms P64S.
Identifiers: ClinVar variation 3619037 (VCV003619037.2).